The following is an entry in ClinVar:

NM_002900.3(RBP3):c.1532A>T (p.Asp511Val)

Gene: RBP3 (retinol binding protein 3; plus strand). Cytogenetic location: 10q11.22.
Variant type: single nucleotide variant.
Coding change: c.1532A>T on transcript NM_002900.3 (MANE Select); coding-DNA position 1532, A replaced by T.
Protein change: p.Asp511Val; replaces aspartic acid 511 with valine.
Molecular consequence: missense variant.
Genome position (GRCh38, 1-based): chr10:47,350,016, A>T. VCF-style: chr10-47350016-A-T. GRCh37 (hg19) VCF-style: chr10-48389346-T-A.
Other names: short protein forms D511V.
Identifiers: ClinVar variation 1014391 (VCV001014391.9), dbSNP rs1555211247, ClinGen allele CA376670186.
Genomic context (GRCh38, chr10:47,350,016, plus strand): 5'-TGCTCCTGTCCTACTTCCAGGGCCCTGAGGCCGGCCCCGTGCACCTCTTCACCACCTATG[A>T]TCGCCGCACCAACATCACGCAGGAGCACTTCAGCCACATGGAGCTCCCGGGCCCACGCTA-3'
Protein context (NP_002891.1, residues 501-521): AGPVHLFTTY[Asp511Val]RRTNITQEHF

ClinVar aggregate classification (germline): Uncertain significance. Review status: criteria provided, multiple submitters, no conflicts (2 of 4 stars). 3 submissions from 3 submitters: Uncertain significance (3). Last evaluated 2024-12-02.

Conditions:
Inborn genetic diseases. Identifiers: MedGen C0950123, MeSH D030342.
Retinitis pigmentosa 66 (RP66). Identifiers: Orphanet 791, MedGen C3715216, MONDO:0014093, OMIM 615233.

Allele frequency attached by ClinVar (database versions not stated): gnomAD exomes below 0.00001 and 0.00001; gnomAD 0.00001.
gnomAD v4.1: 3 of 1,612,804 alleles (0.00019%); highest among the groups gnomAD compares: Admixed American, 0.005%; no homozygotes.

Submissions (3):

Labcorp Genetics (formerly Invitae), Labcorp
Classification: Uncertain significance. Last evaluated: 2024-12-02. Review status: criteria provided, single submitter. Criteria: Invitae Variant Classification Sherloc (09022015). Collection method: clinical testing. Allele origin: germline.
Comment: This sequence change replaces aspartic acid, which is acidic and polar, with valine, which is neutral and non-polar, at codon 511 of the RBP3 protein (p.Asp511Val). This variant is present in population databases (no rsID available, gnomAD 0.006%). This variant has not been reported in the literature in individuals affected with RBP3-related conditions. ClinVar contains an entry for this variant (Variation ID: 1014391). An algorithm developed to predict the effect of missense changes on protein structure and function (PolyPhen-2) suggests that this variant is likely to be disruptive. In summary, the available evidence is currently insufficient to determine the role of this variant in disease. Therefore, it has been classified as a Variant of Uncertain Significance.

Ambry Genetics
Classification: Uncertain significance for Inborn genetic diseases. Last evaluated: 2022-07-08. Review status: criteria provided, single submitter. Criteria: Ambry Variant Classification Scheme 2023. Collection method: clinical testing. Allele origin: germline.

Blueprint Genetics
Classification: Uncertain significance. Last evaluated: 2020-10-23. Review status: criteria provided, single submitter. Criteria: ACMG Guidelines, 2015. Collection method: clinical testing. Allele origin: germline.